The following is an entry in ClinVar:

ClinVar aggregate classification (germline): Uncertain significance. Review status: criteria provided, multiple submitters, no conflicts (2 of 4 stars). 3 submissions from 3 submitters: Uncertain significance (3). Last evaluated 2025-07-21.

Conditions:
Bethlem myopathy 1A. Also called: MYOPATHY, BENIGN CONGENITAL, WITH CONTRACTURES; Bethlem myopathy 1; Bethlem Muscular Dystrophy. Identifiers: Orphanet 610, MedGen CN029274, MONDO:0024530, OMIM 158810.

Allele frequency attached by ClinVar (database versions not stated): gnomAD exomes below 0.00001; ExAC 0.00001; gnomAD 0.00001; TOPMed 0.00001.
gnomAD v4.1: 5 of 1,614,098 alleles (0.00031%); highest among the groups gnomAD compares: Non-Finnish European, 0.00025%; no homozygotes.

Submissions (3):

Labcorp Genetics (formerly Invitae), Labcorp
Classification: Uncertain significance for Bethlem myopathy 1A. Last evaluated: 2025-07-21. Review status: criteria provided, single submitter. Criteria: Invitae Variant Classification Sherloc (09022015). Collection method: clinical testing. Allele origin: germline.
Comment: This sequence change replaces proline, which is neutral and non-polar, with histidine, which is basic and polar, at codon 3083 of the COL6A3 protein (p.Pro3083His). This variant is present in population databases (rs760496428, gnomAD 0.0009%). This variant has not been reported in the literature in individuals affected with COL6A3-related conditions. ClinVar contains an entry for this variant (Variation ID: 197464). Invitae Evidence Modeling of protein sequence and biophysical properties (such as structural, functional, and spatial information, amino acid conservation, physicochemical variation, residue mobility, and thermodynamic stability) indicates that this missense variant is not expected to disrupt COL6A3 protein function with a negative predictive value of 95%. In summary, the available evidence is currently insufficient to determine the role of this variant in disease. Therefore, it has been classified as a Variant of Uncertain Significance.

Revvity Omics, Revvity
Classification: Uncertain significance. Last evaluated: 2020-02-20. Review status: criteria provided, single submitter. Criteria: ACMG Guidelines, 2015. Collection method: clinical testing. Allele origin: germline.

Eurofins Ntd Llc (ga)
Classification: Uncertain significance. Last evaluated: 2015-03-01. Review status: criteria provided, single submitter. Criteria: EGL Classification Definitions 2015. Collection method: clinical testing. Allele origin: germline. Observed: 1 variant allele, 1 heterozygote.

NM_004369.4(COL6A3):c.9248C>A (p.Pro3083His)

Gene: COL6A3 (collagen type VI alpha 3 chain; minus strand). Cytogenetic location: 2q37.3.
Variant type: single nucleotide variant.
Coding change: c.9248C>A on transcript NM_004369.4 (MANE Select); coding-DNA position 9248, C replaced by A.
Protein change: p.Pro3083His; replaces proline 3083 with histidine.
Molecular consequence: missense variant.
Genome position (GRCh38, 1-based): chr2:237,333,530, G>T on the plus strand (C>A on the coding strand, the complement: COL6A3 is on the minus strand). VCF-style: chr2-237333530-G-T. GRCh37 (hg19) VCF-style: chr2-238242173-G-T.
Other names: c.9248C>A (NM_004369.3); c.7427C>A, p.Pro2476His (NM_057166.5); c.8630C>A, p.Pro2877His (NM_057167.4); short protein forms P3083H, P2476H, P2877H.
Identifiers: ClinVar variation 197464 (VCV000197464.16), dbSNP rs760496428, ClinGen allele CA245630.
Genomic context (GRCh38, chr2:237,333,530, plus strand): 5'-GGTTCTGTGCTCACCATTAGATTGATGGTTGAACTAGAAGCTGACCTTGCTGGCTGTGGA[G>T]GTGGGGGCTGAGATTTCTCTATAAAAGAAAAATATATGCAACTCGTAGGTAAATCAGAAA-3'
Protein context (NP_004360.2, residues 3073-3093): SFSTKKSQPP[Pro3083His]PQPARSASSS